The following is an entry in ClinVar:

NM_000208.4(INSR):c.640C>A (p.His214Asn)

Gene: INSR (insulin receptor; minus strand). Cytogenetic location: 19p13.2.
Variant type: single nucleotide variant.
Coding change: c.640C>A on transcript NM_000208.4 (MANE Select); coding-DNA position 640, C replaced by A.
Protein change: p.His214Asn; replaces histidine 214 with asparagine.
Molecular consequence: missense variant.
Genome position (GRCh38, 1-based): chr19:7,267,357, G>T on the plus strand (C>A on the coding strand, the complement: INSR is on the minus strand). VCF-style: chr19-7267357-G-T. GRCh37 (hg19) VCF-style: chr19-7267368-G-T.
Other names: c.640C>A, p.His214Asn (NM_001079817.3); c.640C>A (NM_000208.2); short protein forms H214N.
Identifiers: ClinVar variation 1954970 (VCV001954970.7), dbSNP rs1306327558, ClinGen allele CA403159024.

ClinVar aggregate classification (germline): Uncertain significance. Review status: criteria provided, multiple submitters, no conflicts (2 of 4 stars). 3 submissions from 3 submitters: Uncertain significance (3). Last evaluated 2025-08-25.

Conditions:
Rabson-Mendenhall syndrome. Also called: Pineal Hyperplasia, Insulin-Resistant Diabetes Mellitus, and Somatic Abnormalities; MENDENHALL SYNDROME; Pineal hyperplasia AND diabetes mellitus syndrome. Identifiers: Orphanet 769, MedGen C0271695, MONDO:0009874, OMIM 262190.
Leprechaunism syndrome. Also called: Donohue syndrome; LEPRECHAUNISM. Identifiers: Orphanet 508, MedGen C0265344, MONDO:0009517, OMIM 246200.
Hyperinsulinism due to INSR deficiency. Also called: Hyperinsulinism due to glutamodehydrogenase deficiency. Identifiers: Orphanet 263458, MedGen C1864952, MONDO:0012381, OMIM 609968.
Inborn genetic diseases. Identifiers: MedGen C0950123, MeSH D030342.

Allele frequency attached by ClinVar (database versions not stated): gnomAD exomes below 0.00001; gnomAD 0.00001.
gnomAD v4.1: 4 of 1,614,022 alleles (0.00025%); highest among the groups gnomAD compares: Non-Finnish European, 0.00017%; no homozygotes.

Submissions (3):

Ambry Genetics
Classification: Uncertain significance for Inborn genetic diseases. Last evaluated: 2025-08-25. Review status: criteria provided, single submitter. Criteria: Ambry Variant Classification Scheme 2023. Collection method: clinical testing. Allele origin: germline.

Labcorp Genetics (formerly Invitae), Labcorp
Classification: Uncertain significance. Last evaluated: 2024-04-05. Review status: criteria provided, single submitter. Criteria: Invitae Variant Classification Sherloc (09022015). Collection method: clinical testing. Allele origin: germline.
Comment: This sequence change replaces histidine, which is basic and polar, with asparagine, which is neutral and polar, at codon 214 of the INSR protein (p.His214Asn). This variant is present in population databases (no rsID available, gnomAD 0.008%). This variant has not been reported in the literature in individuals affected with INSR-related conditions. ClinVar contains an entry for this variant (Variation ID: 1954970). Advanced modeling of protein sequence and biophysical properties (such as structural, functional, and spatial information, amino acid conservation, physicochemical variation, residue mobility, and thermodynamic stability) performed at Invitae indicates that this missense variant is not expected to disrupt INSR protein function with a negative predictive value of 80%. In summary, the available evidence is currently insufficient to determine the role of this variant in disease. Therefore, it has been classified as a Variant of Uncertain Significance.

Department of Pathology and Laboratory Medicine, Sinai Health System
Classification: Uncertain significance for Leprechaunism syndrome; Rabson-Mendenhall syndrome; Hyperinsulinism due to INSR deficiency. Last evaluated: 2022-07-14. Review status: criteria provided, single submitter. Criteria: ACMG Guidelines, 2015. Collection method: research. Allele origin: germline.